The following is an entry in ClinVar:

ClinVar aggregate classification (germline): Uncertain significance (1 of 4 stars; one submission).

Allele frequency attached by ClinVar (database versions not stated): TOPMed below 0.00001; ExAC 0.00001; gnomAD exomes 0.00001.
gnomAD v4.1: 3 of 1,614,060 alleles (0.00019%); highest among the groups gnomAD compares: Admixed American, 0.005%; no homozygotes.

Submission:

Labcorp Genetics (formerly Invitae), Labcorp
Classification: Uncertain significance. Last evaluated: 2022-10-24. Review status: criteria provided, single submitter. Criteria: Invitae Variant Classification Sherloc (09022015). Collection method: clinical testing. Allele origin: germline.
Comment: In summary, the available evidence is currently insufficient to determine the role of this variant in disease. Therefore, it has been classified as a Variant of Uncertain Significance. Algorithms developed to predict the effect of sequence changes on RNA splicing suggest that this variant may create or strengthen a splice site. Advanced modeling of protein sequence and biophysical properties (such as structural, functional, and spatial information, amino acid conservation, physicochemical variation, residue mobility, and thermodynamic stability) performed at Invitae indicates that this missense variant is not expected to disrupt TULP1 protein function. This variant has not been reported in the literature in individuals affected with TULP1-related conditions. This variant is present in population databases (rs774623471, gnomAD 0.009%). This sequence change replaces glycine, which is neutral and non-polar, with glutamic acid, which is acidic and polar, at codon 227 of the TULP1 protein (p.Gly227Glu).

NM_003322.6(TULP1):c.680G>A (p.Gly227Glu)

Gene: TULP1 (TUB like protein 1; minus strand). Cytogenetic location: 6p21.31.
Variant type: single nucleotide variant.
Coding change: c.680G>A on transcript NM_003322.6 (MANE Select); coding-DNA position 680, G replaced by A.
Protein change: p.Gly227Glu; replaces glycine 227 with glutamic acid.
Molecular consequence: missense variant.
Genome position (GRCh38, 1-based): chr6:35,509,672, C>T on the plus strand (G>A on the coding strand, the complement: TULP1 is on the minus strand). VCF-style: chr6-35509672-C-T. GRCh37 (hg19) VCF-style: chr6-35477449-C-T.
Other names: c.521G>A, p.Gly174Glu (NM_001289395.2); short protein forms G174E, G227E.
Identifiers: ClinVar variation 2036192 (VCV002036192.4), dbSNP rs774623471, ClinGen allele CA3772843.
Genomic context (GRCh38, chr6:35,509,672, plus strand): 5'-ACCAGAAGCCCTTGCCATCCACCTTTCTTCTTCAGGGCTTTCTTGTCAGGACTGCCTTCC[C>T]CAACCAGAAACATGGCTGCTGGGCTCTTCCTCGCACTGGCTGGGCTCCCTGAGGGGTCCT-3'
Protein context (NP_003313.3, residues 217-237): RKSPAAMFLV[Gly227Glu]EGSPDKKALK